The following is an entry in ClinVar:

NM_016507.4(CDK12):c.2188A>G (p.Ile730Val)

Gene: CDK12 (cyclin dependent kinase 12; plus strand). Cytogenetic location: 17q12.
Variant type: single nucleotide variant.
Coding change: c.2188A>G on transcript NM_016507.4 (MANE Select); coding-DNA position 2188, A replaced by G.
Protein change: p.Ile730Val; replaces isoleucine 730 with valine.
Molecular consequence: missense variant.
Genome position (GRCh38, 1-based): chr17:39,492,830, A>G. VCF-style: chr17-39492830-A-G. GRCh37 (hg19) VCF-style: chr17-37649083-A-G.
Other names: c.2188A>G, p.Ile730Val (NM_015083.4); short protein forms I730V.
Identifiers: ClinVar variation 3999401 (VCV003999401.1).
Genomic context (GRCh38, chr17:39,492,830, plus strand): 5'-GGAGAAAGAAGACAAACAGAAAGCGACTGGGGGAAACGCTGTGTGGACAAGTTTGACATT[A>G]TTGGGATTATTGGAGAAGGAACCTATGGCCAAGTATATAAAGCCAAGGACAAAGACACAG-3'
Protein context (NP_057591.2, residues 720-740): GKRCVDKFDI[Ile730Val]GIIGEGTYGQ

ClinVar aggregate classification (germline): Uncertain significance (1 of 4 stars; one submission).

gnomAD v4.1: 1 of 1,613,430 alleles (0.000062%); highest among the groups gnomAD compares: Non-Finnish European, 0.000085%; no homozygotes.

Submission:

Ambry Genetics
Classification: Uncertain significance. Last evaluated: 2025-04-29. Review status: criteria provided, single submitter. Criteria: Ambry Variant Classification Scheme 2023. Collection method: clinical testing. Allele origin: germline.
Comment: The p.I730V variant (also known as c.2188A>G), located in coding exon 4 of the CDK12 gene, results from an A to G substitution at nucleotide position 2188. The isoleucine at codon 730 is replaced by valine, an amino acid with highly similar properties. This amino acid position is conserved. In addition, this alteration is predicted to be tolerated by in silico analysis. Based on the available evidence, the clinical significance of this variant remains unclear.